The following is an entry in ClinVar:

ClinVar aggregate classification (germline): Pathogenic/Likely pathogenic. Review status: criteria provided, multiple submitters, no conflicts (2 of 4 stars). 3 submissions from 3 submitters: Pathogenic (2); Likely pathogenic (1). Last evaluated 2023-08-02.

Conditions:
Early-infantile DEE. Also called: Early infantile epileptic encephalopathy with suppression bursts; Ohtahara syndrome; Early infantile epileptic encephalopathy. Identifiers: Orphanet 1934, MedGen C0393706, MONDO:0800491.
Autosomal dominant epilepsy.

Submissions (3):

Labcorp Genetics (formerly Invitae), Labcorp
Classification: Pathogenic for Early-infantile DEE. Last evaluated: 2023-08-02. Review status: criteria provided, single submitter. Criteria: Invitae Variant Classification Sherloc (09022015). Collection method: clinical testing. Allele origin: germline.
Comment: For these reasons, this variant has been classified as Pathogenic. This variant disrupts a region of the SCN1A protein in which other variant(s) (p.Gln1923Lys) have been determined to be pathogenic (Invitae). This suggests that this is a clinically significant region of the protein, and that variants that disrupt it are likely to be disease-causing. ClinVar contains an entry for this variant (Variation ID: 928688). This premature translational stop signal has been observed in individual(s) with epilepsy (PMID: 23195492, 30977854). This variant is not present in population databases (gnomAD no frequency). This sequence change creates a premature translational stop signal (p.Leu1595Thrfs*13) in the SCN1A gene. While this is not anticipated to result in nonsense mediated decay, it is expected to disrupt the last 415 amino acid(s) of the SCN1A protein.

Revvity Omics, Revvity
Classification: Pathogenic. Last evaluated: 2023-02-17. Review status: criteria provided, single submitter. Criteria: ACMG Guidelines, 2015. Collection method: clinical testing. Allele origin: germline.

Women's Health and Genetics/Laboratory Corporation of America, LabCorp
Classification: Likely pathogenic for Autosomal dominant epilepsy. Last evaluated: 2019-08-06. Review status: criteria provided, single submitter. Criteria: LabCorp Variant Classification Summary - May 2015. Collection method: clinical testing. Allele origin: germline.
Comment: Variant summary: SCN1A c.4783_4784delCT (p.Leu1595ThrfsX13) results in a premature termination codon, predicted to cause a truncation of the encoded protein or absence of the protein due to nonsense mediated decay, which are commonly known mechanisms for disease. Truncations downstream of this position have been classified as pathogenic by our laboratory (c.5536_5539delAAAC, p.Lys1846fsX11; c.5674C>T, p.Arg1892X; c.5734C>T, p.Arg1912X). The variant was absent in 250168 control chromosomes (gnomAD). The variant, c.4783_4784delCT, has been reported in the literature in individuals affected with SCN1A-Related Seizure Disorder (Wang_2012, Balciuniene_2019). These data indicate that the variant may be associated with disease. To our knowledge, no experimental evidence demonstrating an impact on protein function has been reported. No clinical diagnostic laboratories have submitted clinical-significance assessments for this variant to ClinVar after 2014. Based on the evidence outlined above, the variant was classified as likely pathogenic.

Literature cited by the submitters: PubMed 23195492 (cited by Labcorp Genetics (formerly Invitae), Labcorp and Women's Health and Genetics/Laboratory Corporation of America, LabCorp); PubMed 30977854 (cited by Labcorp Genetics (formerly Invitae), Labcorp and Women's Health and Genetics/Laboratory Corporation of America, LabCorp).

NM_001165963.4(SCN1A):c.4783_4784del (p.Leu1595fs)

Genes: SCN1A (sodium voltage-gated channel alpha subunit 1; minus strand), LOC102724058 (uncharacterized LOC102724058; plus strand). Cytogenetic location: 2q24.3.
Variant type: Microsatellite.
Coding change: c.4783_4784del on transcript NM_001165963.4 (MANE Select); coding-DNA positions 4783 to 4784, 2 bases deleted (CT; older notation c.4783_4784delCT).
Protein change: p.Leu1595fs; shifts the reading frame from leucine 1595.
Molecular consequence: frameshift variant. On other transcripts: non-coding transcript variant (1).
Genome position (GRCh38, 1-based): chr2:165,994,214-165,994,215, AG deleted on the plus strand (CT on the coding strand, the reverse complement: SCN1A is on the minus strand); deleting any 2 consecutive bases within chr2:165,994,214-165,994,220 gives the same sequence; the c. name uses the placement nearest the transcript's 3' end. VCF-style (leftmost placement, unchanged base first): chr2-165994213-TAG-T. GRCh37 (hg19) VCF-style: chr2-166850723-TAG-T.
Other names: c.4699_4700del, p.Leu1567fs (NM_001165964.3, NM_001353957.2, NM_001353958.2); c.4783_4784del, p.Leu1595fs (NM_001202435.3, NM_001353948.2); c.4750_4751del, p.Leu1584fs (NM_001353949.2, NM_001353950.2, NM_001353951.2 and 2 more transcripts); c.4747_4748del, p.Leu1583fs (NM_001353954.2, NM_001353955.2); c.4696_4697del, p.Leu1566fs (NM_001353960.2); c.2341_2342del, p.Leu781fs (NM_001353961.2); short protein forms L1584fs, L1567fs, L1595fs, L781fs, L1583fs, L1566fs.
Identifiers: ClinVar variation 928688 (VCV000928688.7), dbSNP rs1689682880, ClinGen allele CA1304838833.